The following is an entry in ClinVar:

ClinVar aggregate classification (germline): Conflicting classifications of pathogenicity. Review status: criteria provided, conflicting classifications (1 of 4 stars). 2 submissions from 2 submitters: Uncertain significance (1); Likely benign (1). Last evaluated 2023-03-23.

Conditions:
Hereditary cancer-predisposing syndrome. Also called: Hereditary neoplastic syndrome; Hereditary Cancer Syndrome; Tumor predisposition; Neoplastic Syndromes, Hereditary. Identifiers: Orphanet 140162, MedGen C0027672, MeSH D009386, MONDO:0015356.
Hereditary breast ovarian cancer syndrome. Also called: Hereditary breast and ovarian cancer; Hereditary breast and/or ovarian cancer syndrome; Hereditary breast and ovarian cancer syndrome (HBOC); Breast and ovarian cancer; Hereditary breast and ovarian cancer syndrome; BRCA1- and BRCA2-Associated Hereditary Breast and Ovarian Cancer. Identifiers: Orphanet 145, MedGen C0677776, MeSH D061325, MONDO:0003582. Disease mechanism: loss of function.

Submissions (2):

University of Washington Department of Laboratory Medicine, University of Washington
Classification: Likely benign for Hereditary cancer-predisposing syndrome. Last evaluated: 2023-03-23. Review status: criteria provided, single submitter. Criteria: Dines et al. (Genet Med. 2020). Collection method: curation. Allele origin: germline.
Comment: Missense variant in a coldspot region where missense variants are very unlikely to be pathogenic (PMID:31911673).

BRCA2 exon 11 coldspot. Reclassification based on statistical prior probability.

Labcorp Genetics (formerly Invitae), Labcorp
Classification: Uncertain significance for Hereditary breast ovarian cancer syndrome. Last evaluated: 2022-05-03. Review status: criteria provided, single submitter. Criteria: Invitae Variant Classification Sherloc (09022015). Collection method: clinical testing. Allele origin: germline.
Comment: In summary, the available evidence is currently insufficient to determine the role of this variant in disease. Therefore, it has been classified as a Variant of Uncertain Significance. Advanced modeling of protein sequence and biophysical properties (such as structural, functional, and spatial information, amino acid conservation, physicochemical variation, residue mobility, and thermodynamic stability) performed at Invitae indicates that this missense variant is not expected to disrupt BRCA2 protein function. This variant has not been reported in the literature in individuals affected with BRCA2-related conditions. This variant is not present in population databases (gnomAD no frequency). This sequence change replaces glycine, which is neutral and non-polar, with arginine, which is basic and polar, at codon 2274 of the BRCA2 protein (p.Gly2274Arg).

NM_000059.4(BRCA2):c.6820G>C (p.Gly2274Arg)

Gene: BRCA2 (BRCA2 DNA repair associated; plus strand). Cytogenetic location: 13q13.1.
Variant type: single nucleotide variant.
Coding change: c.6820G>C on transcript NM_000059.4 (MANE Select); coding-DNA position 6820, G replaced by C.
Protein change: p.Gly2274Arg; replaces glycine 2274 with arginine.
Molecular consequence: missense variant.
Genome position (GRCh38, 1-based): chr13:32,341,175, G>C. VCF-style: chr13-32341175-G-C. GRCh37 (hg19) VCF-style: chr13-32915312-G-C.
Other names: c.6820G>C, p.Gly2274Arg (NM_001406719.1, NM_001406720.1); short protein forms G2274R.
Identifiers: ClinVar variation 2133181 (VCV002133181.6), dbSNP rs2137530916, ClinGen allele CA387791433.